The following is an entry in ClinVar:

ClinVar aggregate classification (germline): Uncertain significance. Review status: criteria provided, multiple submitters, no conflicts (2 of 4 stars). 3 submissions from 3 submitters: Uncertain significance (3). Last evaluated 2022-10-06.

Conditions:
Inborn genetic diseases. Identifiers: MedGen C0950123, MeSH D030342.

Allele frequency attached by ClinVar (database versions not stated): ExAC 0.00001; gnomAD exomes 0.00002; gnomAD 0.00003 and 0.00004.
gnomAD v4.1: 19 of 1,613,928 alleles (0.0012%); highest among the groups gnomAD compares: Non-Finnish European, 0.0015%; no homozygotes.

Submissions (3):

Ambry Genetics
Classification: Uncertain significance for Inborn genetic diseases. Last evaluated: 2022-10-06. Review status: criteria provided, single submitter. Criteria: Ambry Variant Classification Scheme 2023. Collection method: clinical testing. Allele origin: germline.

Labcorp Genetics (formerly Invitae), Labcorp
Classification: Uncertain significance. Last evaluated: 2021-09-24. Review status: criteria provided, single submitter. Criteria: Invitae Variant Classification Sherloc (09022015). Collection method: clinical testing. Allele origin: germline.
Comment: This sequence change replaces glutamine with histidine at codon 29 of the TYRP1 protein (p.Gln29His). The glutamine residue is weakly conserved and there is a small physicochemical difference between glutamine and histidine. This variant is present in population databases (rs764780349, ExAC 0.001%). This variant has not been reported in the literature in individuals with TYRP1-related conditions. Algorithms developed to predict the effect of missense changes on protein structure and function (SIFT, PolyPhen-2, Align-GVGD) all suggest that this variant is likely to be tolerated, but these predictions have not been confirmed by published functional studies and their clinical significance is uncertain. In summary, the available evidence is currently insufficient to determine the role of this variant in disease. Therefore, it has been classified as a Variant of Uncertain Significance.

CeGaT Center for Human Genetics Tuebingen
Classification: Uncertain significance. Last evaluated: 2021-09-01. Review status: criteria provided, single submitter. Criteria: CeGaT Center For Human Genetics Tuebingen Variant Classification Criteria Version 2. Collection method: clinical testing. Allele origin: germline. Affected: yes. Observed: 2 variant alleles.

NM_000550.3(TYRP1):c.87G>C (p.Gln29His)

Gene: TYRP1 (tyrosinase related protein 1; plus strand). Cytogenetic location: 9p23.
Variant type: single nucleotide variant.
Coding change: c.87G>C on transcript NM_000550.3 (MANE Select); coding-DNA position 87, G replaced by C.
Protein change: p.Gln29His; replaces glutamine 29 with histidine.
Molecular consequence: missense variant.
Genome position (GRCh38, 1-based): chr9:12,694,083, G>C. VCF-style: chr9-12694083-G-C. GRCh37 (hg19) VCF-style: chr9-12694083-G-C.
Other names: c.87G>C (NM_000550.2); short protein forms Q29H.
Identifiers: ClinVar variation 1299137 (VCV001299137.39), dbSNP rs764780349, ClinGen allele CA4985106.